The following is an entry in ClinVar:

ClinVar aggregate classification (germline): Likely pathogenic (1 of 4 stars; one submission).

Submission:

Labcorp Genetics (formerly Invitae), Labcorp
Classification: Likely pathogenic. Last evaluated: 2024-04-19. Review status: criteria provided, single submitter. Criteria: Invitae Variant Classification Sherloc (09022015). Collection method: clinical testing. Allele origin: germline.
Comment: This variant results in the deletion of part of exon 7 (c.644+42_651delinsCACCGTG) of the SLC34A1 gene. It is expected to disrupt RNA splicing. Variants that disrupt the donor or acceptor splice site typically lead to a loss of protein function (PMID: 16199547), and loss-of-function variants in SLC34A1 are known to be pathogenic (PMID: 26047794). This variant is not present in population databases (gnomAD no frequency). This variant has not been reported in the literature in individuals affected with SLC34A1-related conditions. In summary, the currently available evidence indicates that the variant is pathogenic, but additional data are needed to prove that conclusively. Therefore, this variant has been classified as Likely Pathogenic.

Literature cited by the submitters: PubMed 16199547; PubMed 26047794.

NM_003052.5(SLC34A1):c.644+42_651delinsCACCGTG

Gene: SLC34A1 (solute carrier family 34 member 1; plus strand). Cytogenetic location: 5q35.3.
Variant type: Indel.
Coding change: c.644+42_651delinsCACCGTG on transcript NM_003052.5 (MANE Select); 42 bases into the intron after coding-DNA position 644 through coding-DNA position 651, the reference bases replaced by CACCGTG.
Molecular consequence: splice acceptor variant.
Genome position (GRCh38, 1-based): chr5:177,387,915-177,388,000, 86 bases replaced. GRCh37 (hg19): chr5:176,814,916-176,815,001.
Other names: c.644+42_651delinsCACCGTG (NM_001167579.2).
Identifiers: ClinVar variation 3650416 (VCV003650416.2).